The following is an entry in ClinVar:

NM_004646.4(NPHS1):c.1825del (p.Leu609fs)

Gene: NPHS1 (NPHS1 adhesion molecule, nephrin; minus strand). Cytogenetic location: 19q13.12.
Variant type: Deletion.
Coding change: c.1825del on transcript NM_004646.4 (MANE Select); coding-DNA position 1825, one base deleted (C; older notation c.1825delC).
Protein change: p.Leu609fs; shifts the reading frame from leucine 609.
Molecular consequence: frameshift variant.
Genome position (GRCh38, 1-based): chr19:35,845,473, G deleted on the plus strand (C on the coding strand, the reverse complement: NPHS1 is on the minus strand); the first of 2 consecutive G bases (chr19:35,845,473-35,845,474); deleting either gives the same sequence. VCF-style (leftmost placement, unchanged base first): chr19-35845472-AG-A. GRCh37 (hg19) VCF-style: chr19-36336374-AG-A.
Other names: short protein forms L609fs.
Identifiers: ClinVar variation 958066 (VCV000958066.7), dbSNP rs1973123878, ClinGen allele CA1139666408.

ClinVar aggregate classification (germline): Pathogenic (1 of 4 stars; one submission).

Submission:

Labcorp Genetics (formerly Invitae), Labcorp
Classification: Pathogenic. Last evaluated: 2020-03-28. Review status: criteria provided, single submitter. Criteria: Invitae Variant Classification Sherloc (09022015). Collection method: clinical testing. Allele origin: germline.
Comment: This variant is not present in population databases (ExAC no frequency). This variant has not been reported in the literature in individuals with NPHS1-related conditions. This sequence change creates a premature translational stop signal (p.Leu609Phefs*13) in the NPHS1 gene. It is expected to result in an absent or disrupted protein product. Loss-of-function variants in NPHS1 are known to be pathogenic (PMID: 11317351, 11854170, 12039988). For these reasons, this variant has been classified as Pathogenic.

Literature cited by the submitters: PubMed 11317351; PubMed 11854170; PubMed 12039988.